The following is an entry in ClinVar:

ClinVar aggregate classification (germline): Uncertain significance (1 of 4 stars; one submission).

Conditions:
CHARGE syndrome (CHARGE). Also called: Hittner Hirsch Kreh syndrome; CHARGE ASSOCIATION--COLOBOMA, HEART ANOMALY, CHOANAL ATRESIA, RETARDATION, GENITAL AND EAR ANOMALIES; Coloboma, heart anomaly, choanal atresia, retardation, genital and ear anomalies; CHARGE association; Hall-Hittner syndrome. Identifiers: Orphanet 138, MedGen C0265354, MONDO:0008965.

gnomAD v4.1: 1 of 1,613,742 alleles (0.000062%); highest among the groups gnomAD compares: Middle Eastern, 0.017%; no homozygotes.

Submission:

Labcorp Genetics (formerly Invitae), Labcorp
Classification: Uncertain significance for CHARGE syndrome. Last evaluated: 2024-01-31. Review status: criteria provided, single submitter. Criteria: Invitae Variant Classification Sherloc (09022015). Collection method: clinical testing. Allele origin: germline.
Comment: This sequence change replaces serine, which is neutral and polar, with cysteine, which is neutral and slightly polar, at codon 545 of the SEMA3E protein (p.Ser545Cys). This variant is not present in population databases (gnomAD no frequency). This variant has not been reported in the literature in individuals affected with SEMA3E-related conditions. Advanced modeling of protein sequence and biophysical properties (such as structural, functional, and spatial information, amino acid conservation, physicochemical variation, residue mobility, and thermodynamic stability) performed at Invitae indicates that this missense variant is not expected to disrupt SEMA3E protein function with a negative predictive value of 80%. In summary, the available evidence is currently insufficient to determine the role of this variant in disease. Therefore, it has been classified as a Variant of Uncertain Significance.

NM_012431.3(SEMA3E):c.1634C>G (p.Ser545Cys)

Gene: SEMA3E (semaphorin 3E; minus strand). Cytogenetic location: 7q21.11.
Variant type: single nucleotide variant.
Coding change: c.1634C>G on transcript NM_012431.3 (MANE Select); coding-DNA position 1634, C replaced by G.
Protein change: p.Ser545Cys; replaces serine 545 with cysteine.
Molecular consequence: missense variant.
Genome position (GRCh38, 1-based): chr7:83,392,588, G>C on the plus strand (C>G on the coding strand, the complement: SEMA3E is on the minus strand). VCF-style: chr7-83392588-G-C. GRCh37 (hg19) VCF-style: chr7-83021904-G-C.
Other names: c.1454C>G, p.Ser485Cys (NM_001178129.2); short protein forms S485C, S545C.
Identifiers: ClinVar variation 3698907 (VCV003698907.2).